The following is an entry in ClinVar:

NM_007294.4(BRCA1):c.5194-221T>C

Gene: BRCA1 (BRCA1 DNA repair associated; minus strand). Cytogenetic location: 17q21.31.
Variant type: single nucleotide variant.
Coding change: c.5194-221T>C on transcript NM_007294.4 (MANE Select); 221 bases into the intron before coding-DNA position 5194, T replaced by C.
Molecular consequence: intron variant.
Genome position (GRCh38, 1-based): chr17:43,057,356, A>G on the plus strand (T>C on the coding strand, the complement: BRCA1 is on the minus strand). VCF-style: chr17-43057356-A-G. GRCh37 (hg19) VCF-style: chr17-41209373-A-G.
Other names: IVS 19-221T>C; c.4987-221T>C (NM_001407874.1, NM_001407875.1); c.1804-221T>C (NM_001408416.1, NM_001408414.1, NM_001408415.1 and 2 more transcripts); c.4981-221T>C (NM_001407571.1, NM_001407907.1, NM_001407902.1 and 12 more transcripts); c.4858-221T>C (NM_001407950.1, NM_001407953.1, NM_001407955.1 and 3 more transcripts); c.4861-221T>C (NM_001407948.1, NM_001407947.1, NM_001407949.1 and 1 more transcripts); c.1672-221T>C (NM_001408484.1, NM_001408485.1, NM_001408483.1 and 5 more transcripts); c.1675-221T>C (NM_001408478.1, NM_001408480.1, NM_001408479.1); and 73 more.
Identifiers: ClinVar variation 209289 (VCV000209289.3), dbSNP rs111611613, ClinGen allele CA276261.
Genomic context (GRCh38, chr17:43,057,356, plus strand): 5'-GGTCAGGAGTTCGACACCAGTCTGACCAACATGGTGAAACCTCATCTCTACTAAAAATAC[A>G]AAAAATTAGTTGGGCGTGGTGGCAGGCACCTGTAATCCCAGCTACTTGGGAGGCTGAGGC-3'

ClinVar aggregate classification (germline): Benign. Review status: reviewed by expert panel (3 of 4 stars). 2 submissions from 2 submitters: Benign (1). 1 of the submissions does not count toward it. Last evaluated 2015-01-12.

Conditions:
Breast-ovarian cancer, familial, susceptibility to, 1 (BROVCA1). Also called: BRCA1 Hereditary Breast and Ovarian Cancer; OVARIAN CANCER, SUSCEPTIBILITY TO. Identifiers: Orphanet 145, MedGen C2676676, MONDO:0011450, OMIM 604370. Disease mechanism: loss of function.

Allele frequency attached by ClinVar (database versions not stated): 1000 Genomes Project 30x 0.00406; gnomAD 0.00472 and 0.00511; 1000 Genomes Project 0.00499; TOPMed 0.00521.
gnomAD v4.1: 708 of 152,056 alleles (0.47%); highest among the groups gnomAD compares: African/African-American, 1.6%; 10 homozygotes.

Submissions (2):

Evidence-based Network for the Interpretation of Germline Mutant Alleles (ENIGMA)
Classification: Benign for Breast-ovarian cancer, familial 1. Last evaluated: 2015-01-12. Review status: reviewed by expert panel. Criteria: ENIGMA BRCA1/2 Classification Criteria (2015). Collection method: curation. Allele origin: germline.
Comment: Class 1 not pathogenic based on frequency >1% in an outbred sampleset. Frequency 0.02033 (African), derived from 1000 genomes (2012-04-30).

GeneDx
Classification: Likely benign. Last evaluated: 2018-06-26. Review status: criteria provided, single submitter. Criteria: GeneDx Variant Classification (06012015). Collection method: clinical testing. Allele origin: germline. Affected: yes. Not counted in ClinVar's aggregate classification.